The following is an entry in ClinVar:

ClinVar aggregate classification (germline): Uncertain significance (1 of 4 stars; one submission).

Conditions:
Hereditary cancer-predisposing syndrome. Also called: Tumor predisposition; Hereditary neoplastic syndrome; Hereditary Cancer Syndrome; Neoplastic Syndromes, Hereditary. Identifiers: Orphanet 140162, MedGen C0027672, MeSH D009386, MONDO:0015356.

Submission:

Ambry Genetics
Classification: Uncertain significance for Hereditary cancer-predisposing syndrome. Last evaluated: 2025-05-22. Review status: criteria provided, single submitter. Criteria: Ambry Variant Classification Scheme 2023. Collection method: clinical testing. Allele origin: germline.
Comment: The c.-2G>T variant is located in the 5' untranslated region (5&rsquo; UTR) of the POLD1 gene. This variant results from a G to T substitution 2 bases upstream from the first translated codon. This nucleotide position is well conserved in available vertebrate species. Based on the available evidence, the clinical significance of this variant remains unclear.

NM_002691.4(POLD1):c.-2G>T

Gene: POLD1 (DNA polymerase delta 1, catalytic subunit; plus strand). Cytogenetic location: 19q13.33.
Variant type: single nucleotide variant.
Coding change: c.-2G>T on transcript NM_002691.4 (MANE Select); 2 bases upstream of the start codon, G replaced by T.
Molecular consequence: 5 prime UTR variant. On other transcripts: non-coding transcript variant (1).
Genome position (GRCh38, 1-based): chr19:50,384,390, G>T. VCF-style: chr19-50384390-G-T. GRCh37 (hg19) VCF-style: chr19-50887647-G-T.
Other names: c.-5G>T (NM_001256849.1).
Identifiers: ClinVar variation 3935571 (VCV003935571.1).
Genomic context (GRCh38, chr19:50,384,390, plus strand): 5'-GCGCGCGGGAGTCAGGGGTCACGGCGGCGTAGGCTGTGGCGGGAAACGCTGTTTGAAGCG[G>T]GTGAGTAGAGGGGAAAAAGGGAGTTCGGGGCAGTGGGCCTGGTAGGGAACGGGGCTTGAG-3'